The following is an entry in ClinVar:

ClinVar aggregate classification (germline): Likely benign. Review status: criteria provided, multiple submitters, no conflicts (2 of 4 stars). 2 submissions from 2 submitters: Likely benign (2). Last evaluated 2024-06-14.

Conditions:
Familial cancer of breast. Also called: hereditary breast carcinoma; BREAST CANCER, FAMILIAL; Hereditary breast cancer. Identifiers: Orphanet 227535, MedGen C0346153, MONDO:0016419, OMIM 114480. Disease mechanism: loss of function.
Ataxia-telangiectasia syndrome (AT). Also called: Ataxia-telangiectasia; Ataxia-telangiectasia, complementation group D; AT, COMPLEMENTATION GROUP C; Ataxia-telangiectasia, complementation group E; LOUIS-BAR SYNDROME; Cerebello-oculocutaneous telangiectasia. Identifiers: Orphanet 100, MedGen C0004135, MONDO:0008840, OMIM 208900.

Allele frequency attached by ClinVar (database versions not stated): TOPMed below 0.00001; gnomAD 0.00001.
gnomAD v4.1: 1 of 1,610,232 alleles (0.000062%); highest among the groups gnomAD compares: African/African-American, 0.0013%; no homozygotes.

Submissions (2):

Myriad Genetics, Inc.
Classification: Likely benign for Familial cancer of breast. Last evaluated: 2024-06-14. Review status: criteria provided, single submitter. Criteria: Myriad Autosomal Dominant, Autosomal Recessive and X-Linked Classification Criteria (2023). Collection method: clinical testing. Allele origin: unknown.
Comment: This variant is considered likely benign. This variant is intronic and is not expected to impact mRNA splicing.

Labcorp Genetics (formerly Invitae), Labcorp
Classification: Likely benign for Ataxia-telangiectasia syndrome. Last evaluated: 2024-04-22. Review status: criteria provided, single submitter. Criteria: Invitae Variant Classification Sherloc (09022015). Collection method: clinical testing. Allele origin: germline.

NM_000051.4(ATM):c.7516-18T>C

Genes: ATM (ATM serine/threonine kinase; plus strand), C11orf65 (chromosome 11 open reading frame 65; minus strand). Cytogenetic location: 11q22.3.
Variant type: single nucleotide variant.
Coding change: c.7516-18T>C on transcript NM_000051.4 (MANE Select); 18 bases into the intron before coding-DNA position 7516, T replaced by C.
Molecular consequence: intron variant. On other transcripts: non-coding transcript variant (1).
Genome position (GRCh38, 1-based): chr11:108,331,426, T>C. VCF-style: chr11-108331426-T-C. GRCh37 (hg19) VCF-style: chr11-108202153-T-C.
Other names: c.7516-18T>C (NM_001351834.2); c.641-22355A>G (NM_001330368.2); c.*38+3794A>G (NM_001351110.2).
Identifiers: ClinVar variation 3254495 (VCV003254495.3), dbSNP rs1312616858.
Genomic context (GRCh38, chr11:108,331,426, plus strand): 5'-AAAATAACTTACTTGCTTAGATGTGAGAATATTTGAAATACCTTGTTTCTTAATTTTGTG[T>C]CTTTTTTTTAATGGTAGAGAGACGGAATGAAGATTCCAACATATAAATTTTTGCCTCTTA-3'